The following is an entry in ClinVar:

ClinVar aggregate classification (germline): Uncertain significance (1 of 4 stars; one submission).

Submission:

GeneDx
Classification: Uncertain significance. Last evaluated: 2026-04-12. Review status: criteria provided, single submitter. Criteria: GeneDx Variant Classification Process June 2021. Collection method: clinical testing. Allele origin: germline.
Comment: Not observed at significant frequency in large population cohorts (gnomAD); Has not been previously published as pathogenic or benign to our knowledge; Nonsense variant predicted to result in protein truncation as the last 465 amino acid(s) are lost with an unclear effect on protein function

NM_004770.3(KCNB2):c.1339G>T (p.Gly447Ter)

Gene: KCNB2 (potassium voltage-gated channel subfamily B member 2; plus strand). Cytogenetic location: 8q21.11.
Variant type: single nucleotide variant.
Coding change: c.1339G>T on transcript NM_004770.3 (MANE Select); coding-DNA position 1339, G replaced by T.
Protein change: p.Gly447Ter; replaces glycine 447 with a stop codon.
Molecular consequence: nonsense.
Genome position (GRCh38, 1-based): chr8:72,936,694, G>T. VCF-style: chr8-72936694-G-T. GRCh37 (hg19) VCF-style: chr8-73848929-G-T.
Other names: short protein forms G447*.
Identifiers: ClinVar variation 5036970 (VCV005036970.1).